The following is an entry in ClinVar:

ClinVar aggregate classification (germline): Uncertain significance. Review status: criteria provided, multiple submitters, no conflicts (2 of 4 stars). 2 submissions from 2 submitters: Uncertain significance (2). Last evaluated 2025-11-12.

Conditions:
Myofibrillar myopathy 5. Also called: FILAMINOPATHY, AUTOSOMAL DOMINANT; Filaminopathy (type). Identifiers: Orphanet 171445, MedGen C1836050, MONDO:0012289, OMIM 609524.
Distal myopathy with posterior leg and anterior hand involvement. Also called: WILLIAMS DISTAL MYOPATHY. Identifiers: Orphanet 63273, MedGen C3279722, MONDO:0013550, OMIM 614065.
Hypertrophic cardiomyopathy 26. Also called: Cardiomyopathy, familial hypertrophic, 26. Identifiers: Orphanet 75249, MedGen C4310749, MONDO:0014883, OMIM 617047.

Allele frequency attached by ClinVar (database versions not stated): gnomAD below 0.00001 and 0.00001; ExAC 0.00001; gnomAD exomes 0.00001.
gnomAD v4.1: 6 of 1,613,536 alleles (0.00037%); highest among the groups gnomAD compares: South Asian, 0.0066%; no homozygotes.

Submissions (2):

Labcorp Genetics (formerly Invitae), Labcorp
Classification: Uncertain significance for Distal myopathy with posterior leg and anterior hand involvement; Myofibrillar myopathy 5; Hypertrophic cardiomyopathy 26. Last evaluated: 2025-11-12. Review status: criteria provided, single submitter. Criteria: Invitae Variant Classification Sherloc (09022015). Collection method: clinical testing. Allele origin: germline.
Comment: This sequence change replaces isoleucine, which is neutral and non-polar, with valine, which is neutral and non-polar, at codon 742 of the FLNC protein (p.Ile742Val). This variant is present in population databases (rs769224072, gnomAD 0.003%). This variant has not been reported in the literature in individuals affected with FLNC-related conditions. ClinVar contains an entry for this variant (Variation ID: 967228). An algorithm developed to predict the effect of missense changes on protein structure and function outputs the following: PolyPhen-2: "Benign". The valine amino acid residue is found in multiple mammalian species, which suggests that this missense change does not adversely affect protein function. In summary, the available evidence is currently insufficient to determine the role of this variant in disease. Therefore, it has been classified as a Variant of Uncertain Significance.

GeneDx
Classification: Uncertain significance. Last evaluated: 2024-06-03. Review status: criteria provided, single submitter. Criteria: GeneDx Variant Classification Process June 2021. Collection method: clinical testing. Allele origin: germline. Affected: yes.
Comment: Has not been previously published as pathogenic or benign to our knowledge; Not observed at significant frequency in large population cohorts (gnomAD); In silico analysis indicates that this missense variant does not alter protein structure/function

NM_001458.5(FLNC):c.2224A>G (p.Ile742Val)

Gene: FLNC (filamin C; plus strand). Cytogenetic location: 7q32.1.
Variant type: single nucleotide variant.
Coding change: c.2224A>G on transcript NM_001458.5 (MANE Select); coding-DNA position 2224, A replaced by G.
Protein change: p.Ile742Val; replaces isoleucine 742 with valine.
Molecular consequence: missense variant.
Genome position (GRCh38, 1-based): chr7:128,842,333, A>G. VCF-style: chr7-128842333-A-G. GRCh37 (hg19) VCF-style: chr7-128482387-A-G.
Other names: c.2224A>G, p.Ile742Val (NM_001127487.2); short protein forms I742V.
Identifiers: ClinVar variation 967228 (VCV000967228.10), dbSNP rs769224072, ClinGen allele CA4474641.